The following is an entry in ClinVar:

ClinVar aggregate classification (germline): Uncertain significance. Review status: criteria provided, multiple submitters, no conflicts (2 of 4 stars). 2 submissions from 2 submitters: Uncertain significance (2). Last evaluated 2024-10-01.

Conditions:
Inborn genetic diseases. Identifiers: MedGen C0950123, MeSH D030342.
Walker-Warburg congenital muscular dystrophy. Also called: Muscular dystrophy-dystroglycanopathy, type A; Walker-Warburg syndrome. Identifiers: Orphanet 899, MedGen C0265221, MONDO:0000171.
Autosomal recessive limb-girdle muscular dystrophy type 2K. Also called: MUSCULAR DYSTROPHY, LIMB-GIRDLE, TYPE 2K; MUSCULAR DYSTROPHY-DYSTROGLYCANOPATHY (LIMB-GIRDLE), TYPE C, 1. Identifiers: Orphanet 86812, MedGen C1836373, MONDO:0012248, OMIM 609308.
Muscular dystrophy-dystroglycanopathy (congenital with impaired intellectual development), type B, 1. Also called: MUSCULAR DYSTROPHY, CONGENITAL, POMT1-RELATED; Muscular dystrophy-dystroglycanopathy (congenital with intellectual disability), type B1. Identifiers: MedGen C5436962, MONDO:0013159, OMIM 613155.

Allele frequency attached by ClinVar (database versions not stated): TOPMed below 0.00001.

Submissions (2):

Ambry Genetics
Classification: Uncertain significance for Inborn genetic diseases. Last evaluated: 2024-10-01. Review status: criteria provided, single submitter. Criteria: Ambry Variant Classification Scheme 2023. Collection method: clinical testing. Allele origin: germline.

Labcorp Genetics (formerly Invitae), Labcorp
Classification: Uncertain significance for Congenital muscular dystrophy-dystroglycanopathy with mental retardation, type B1; Walker-Warburg congenital muscular dystrophy; Limb-girdle muscular dystrophy-dystroglycanopathy, type C1. Last evaluated: 2019-12-16. Review status: criteria provided, single submitter. Criteria: Invitae Variant Classification Sherloc (09022015). Collection method: clinical testing. Allele origin: germline.
Comment: This sequence change replaces glutamine with histidine at codon 315 of the POMT1 protein (p.Gln315His). The glutamine residue is moderately conserved and there is a small physicochemical difference between glutamine and histidine. This variant is not present in population databases (ExAC no frequency). This variant has not been reported in the literature in individuals with POMT1-related conditions. Algorithms developed to predict the effect of missense changes on protein structure and function (SIFT, PolyPhen-2, Align-GVGD) all suggest that this variant is likely to be tolerated, but these predictions have not been confirmed by published functional studies and their clinical significance is uncertain. In summary, the available evidence is currently insufficient to determine the role of this variant in disease. Therefore, it has been classified as a Variant of Uncertain Significance.

NM_001077365.2(POMT1):c.879G>T (p.Gln293His)

Gene: POMT1 (protein O-mannosyltransferase 1; plus strand). Cytogenetic location: 9q34.13.
Variant type: single nucleotide variant.
Coding change: c.879G>T on transcript NM_001077365.2 (MANE Select); coding-DNA position 879, G replaced by T.
Protein change: p.Gln293His; replaces glutamine 293 with histidine.
Molecular consequence: missense variant. On other transcripts: non-coding transcript variant (10).
Genome position (GRCh38, 1-based): chr9:131,511,360, G>T. VCF-style: chr9-131511360-G-T. GRCh37 (hg19) VCF-style: chr9-134386747-G-T.
Other names: c.528G>T, p.Gln176His (NM_001374691.1, NM_001374692.1, NM_001136114.2 and 1 more transcripts); c.717G>T, p.Gln239His (NM_001374693.1, NM_001077366.2, NM_001353194.2); c.489G>T, p.Gln163His (NM_001374695.1); c.945G>T, p.Gln315His (NM_007171.4, NM_001353193.2); c.879G>T, p.Gln293His (NM_001136113.2, NM_001374690.1); c.789G>T, p.Gln263His (NM_001353196.2); c.783G>T, p.Gln261His (NM_001353197.2, NM_001353198.2); c.594G>T, p.Gln198His (NM_001353199.2); and 2 more; short protein forms Q198H, Q261H, Q293H, G288W, Q141H, Q163H, Q176H, Q239H.
Identifiers: ClinVar variation 852045 (VCV000852045.2), dbSNP rs1947080431, ClinGen allele CA375308345.